The following is an entry in ClinVar:

ClinVar aggregate classification (germline): Uncertain significance (1 of 4 stars; one submission).

Conditions:
Glycogen storage disease, type II (IOPD). Also called: Glucosidase acid-1,4-alpha deficiency; Pompe Disease; CARDIOMEGALIA GLYCOGENICA DIFFUSA; GLYCOGENOSIS, GENERALIZED, CARDIAC FORM; GSD II; Glycogen storage disease type 2. Identifiers: Orphanet 365, MedGen C0017921, MONDO:0009290, OMIM 232300.

Submission:

Labcorp Genetics (formerly Invitae), Labcorp
Classification: Uncertain significance for Glycogen storage disease, type II. Last evaluated: 2019-03-22. Review status: criteria provided, single submitter. Criteria: Invitae Variant Classification Sherloc (09022015). Collection method: clinical testing. Allele origin: germline.
Comment: This variant is not present in population databases (ExAC no frequency). This sequence change replaces threonine with isoleucine at codon 23 of the GAA protein (p.Thr23Ile). The threonine residue is moderately conserved and there is a moderate physicochemical difference between threonine and isoleucine. This variant has not been reported in the literature in individuals with GAA-related conditions. Algorithms developed to predict the effect of missense changes on protein structure and function output the following: SIFT: "Tolerated"; PolyPhen-2: "Benign"; Align-GVGD: "Class C0". The isoleucine amino acid residue is found in multiple mammalian species, suggesting that this missense change does not adversely affect protein function. These predictions have not been confirmed by published functional studies and their clinical significance is uncertain. In summary, the available evidence is currently insufficient to determine the role of this variant in disease. Therefore, it has been classified as a Variant of Uncertain Significance.

NM_000152.5(GAA):c.68C>T (p.Thr23Ile)

Gene: GAA (alpha glucosidase; plus strand). Cytogenetic location: 17q25.3.
Variant type: single nucleotide variant.
Coding change: c.68C>T on transcript NM_000152.5 (MANE Select); coding-DNA position 68, C replaced by T.
Protein change: p.Thr23Ile; replaces threonine 23 with isoleucine.
Molecular consequence: missense variant.
Genome position (GRCh38, 1-based): chr17:80,104,654, C>T. VCF-style: chr17-80104654-C-T. GRCh37 (hg19) VCF-style: chr17-78078453-C-T.
Other names: c.68C>T, p.Thr23Ile (NM_001079803.3, NM_001079804.3); short protein forms T23I.
Identifiers: ClinVar variation 858963 (VCV000858963.10), dbSNP rs2039027538, ClinGen allele CA401360134.
Genomic context (GRCh38, chr17:80,104,654, plus strand): 5'-TGAGGCACCCGCCCTGCTCCCACCGGCTCCTGGCCGTCTGCGCCCTCGTGTCCTTGGCAA[C>T]CGCTGCACTCCTGGGGCACATCCTACTCCATGATTTCCTGCTGGTTCCCCGAGAGCTGAG-3'
Protein context (NP_000143.2, residues 13-33): LAVCALVSLA[Thr23Ile]AALLGHILLH